The following is an entry in ClinVar:

ClinVar aggregate classification (germline): Uncertain significance (1 of 4 stars; one submission).

Conditions:
ZMYM2-related disorder. Also called: ZMYM2-related condition.

Submission:

PreventionGenetics, part of Exact Sciences
Classification: Uncertain significance for ZMYM2-related condition. Last evaluated: 2026-01-13. Review status: criteria provided, single submitter. Criteria: ACMG Guidelines, 2015. Collection method: clinical testing. Allele origin: germline.
Comment: The ZMYM2 c.1709A>G variant is predicted to result in the amino acid substitution p.His570Arg. To our knowledge, this variant has not been reported in the literature or in a large population database (gnomAD), indicating this variant is rare. At this time, the clinical significance of this variant is uncertain due to the absence of conclusive functional and genetic evidence.

NM_197968.4(ZMYM2):c.1709A>G (p.His570Arg)

Gene: ZMYM2 (zinc finger MYM-type containing 2; plus strand). Cytogenetic location: 13q12.11.
Variant type: single nucleotide variant.
Coding change: c.1709A>G on transcript NM_197968.4 (MANE Select); coding-DNA position 1709, A replaced by G.
Protein change: p.His570Arg; replaces histidine 570 with arginine.
Molecular consequence: missense variant. On other transcripts: non-coding transcript variant (1).
Genome position (GRCh38, 1-based): chr13:20,026,736, A>G. VCF-style: chr13-20026736-A-G. GRCh37 (hg19) VCF-style: chr13-20600876-A-G.
Other names: c.1709A>G, p.His570Arg (NM_001190964.4, NM_001190965.4, NM_001353157.2 and 5 more transcripts); c.1514A>G, p.His505Arg (NM_001353161.3); c.1448A>G, p.His483Arg (NM_001353163.2); short protein forms H483R, H505R, H570R.
Identifiers: ClinVar variation 4995598 (VCV004995598.1).
Genomic context (GRCh38, chr13:20,026,736, plus strand): 5'-AGTGTATAGGTCCTAATGGATATATGGAGCCATATTGTTCAACTGCTTGTATGAACAGTC[A>G]CAAGACAAAATATGCAAAATCACAAAGTAAGTTTCACATATTTGGACAGTTAAAAAAACT-3'
Protein context (NP_932072.1, residues 560-580): PYCSTACMNS[His570Arg]KTKYAKSQSL